The following is an entry in ClinVar:

NM_001035.3(RYR2):c.13605G>A (p.Thr4535=)

Gene: RYR2 (ryanodine receptor 2; plus strand). Cytogenetic location: 1q43.
Variant type: single nucleotide variant.
Coding change: c.13605G>A on transcript NM_001035.3 (MANE Select); coding-DNA position 13605, G replaced by A.
Protein change: p.Thr4535=; no amino-acid change (threonine 4535 retained).
Molecular consequence: synonymous variant.
Genome position (GRCh38, 1-based): chr1:237,792,146, G>A. VCF-style: chr1-237792146-G-A. GRCh37 (hg19) VCF-style: chr1-237955446-G-A.
Identifiers: ClinVar variation 701410 (VCV000701410.16), dbSNP rs1573967641, ClinGen allele CA423827184.

ClinVar aggregate classification (germline): Likely benign. Review status: criteria provided, multiple submitters, no conflicts (2 of 4 stars). 4 submissions from 4 submitters: Likely benign (4). Last evaluated 2025-04-30.

Conditions:
Cardiovascular phenotype. Identifiers: MedGen CN230736.
Cardiomyopathy (CMYO). Also called: Cardiomyopathies. Identifiers: Orphanet 167848, MedGen C0878544, MONDO:0004994, HP:0001638. Inheritance: Various modes of inheritance.
Catecholaminergic polymorphic ventricular tachycardia (CVPT). Also called: Catecholamine-induced polymorphic ventricular tachycardia. Identifiers: Orphanet 3286, MedGen C5574922, MONDO:0017990.
Catecholaminergic polymorphic ventricular tachycardia 1. Also called: VENTRICULAR TACHYCARDIA, CATECHOLAMINERGIC POLYMORPHIC, 1, WITH OR WITHOUT ATRIAL DYSFUNCTION AND/OR DILATED CARDIOMYOPATHY; VENTRICULAR TACHYCARDIA, STRESS-INDUCED POLYMORPHIC 1; RYR2-Related Catecholaminergic Polymorphic Ventricular Tachycardia. Identifiers: Orphanet 3286, MedGen C1631597, MONDO:0011484, OMIM 604772.

Allele frequency attached by ClinVar (database versions not stated): gnomAD exomes below 0.00001; gnomAD 0.00001.
gnomAD v4.1: 7 of 1,608,878 alleles (0.00044%); highest among the groups gnomAD compares: Middle Eastern, 0.033%; no homozygotes.

Submissions (4):

Labcorp Genetics (formerly Invitae), Labcorp
Classification: Likely benign for Catecholaminergic polymorphic ventricular tachycardia 1. Last evaluated: 2025-04-30. Review status: criteria provided, single submitter. Criteria: Invitae Variant Classification Sherloc (09022015). Collection method: clinical testing. Allele origin: germline.

All of Us Research Program, National Institutes of Health
Classification: Likely benign for Catecholaminergic polymorphic ventricular tachycardia. Last evaluated: 2023-08-15. Review status: criteria provided, single submitter. Criteria: ACMG Guidelines, 2015. Collection method: clinical testing. Allele origin: germline. Inheritance: Autosomal dominant inheritance. Observed: 1 variant allele, 1 heterozygote.
Comment: This study involves interpretation of variants in research participants for the purpose of population health screening. Participant phenotype was not available at the time of variant classification. Additional details can be found in publication PMID: 35346344, PMCID: PMC8962531

Ambry Genetics
Classification: Likely benign for Cardiovascular phenotype. Last evaluated: 2023-01-01. Review status: criteria provided, single submitter. Criteria: Ambry Variant Classification Scheme 2023. Collection method: clinical testing. Allele origin: germline.

Color Diagnostics, LLC DBA Color Health
Classification: Likely benign for Cardiomyopathy. Last evaluated: 2019-09-04. Review status: criteria provided, single submitter. Criteria: ACMG Guidelines, 2015. Collection method: clinical testing. Allele origin: germline.